The following is an entry in ClinVar:

NM_004006.3(DMD):c.2099A>C (p.Gln700Pro)

Gene: DMD (dystrophin; minus strand). Cytogenetic location: Xp21.1.
Variant type: single nucleotide variant.
Coding change: c.2099A>C on transcript NM_004006.3 (MANE Select); coding-DNA position 2099, A replaced by C.
Protein change: p.Gln700Pro; replaces glutamine 700 with proline.
Molecular consequence: missense variant.
Genome position (GRCh38, 1-based): chrX:32,545,228, T>G on the plus strand (A>C on the coding strand, the complement: DMD is on the minus strand). VCF-style: chrX-32545228-T-G. GRCh37 (hg19) VCF-style: chrX-32563345-T-G.
Other names: c.2075A>C, p.Gln692Pro (NM_000109.4); c.2087A>C, p.Gln696Pro (NM_004009.3); c.1730A>C, p.Gln577Pro (NM_004010.3); short protein forms Q692P, Q577P, Q696P, Q700P.
Identifiers: ClinVar variation 1970424 (VCV001970424.2), dbSNP rs913723102, ClinGen allele CA328025283.

ClinVar aggregate classification (germline): Uncertain significance (1 of 4 stars; one submission).

Conditions:
Duchenne muscular dystrophy (DMD). Also called: MUSCULAR DYSTROPHY, PSEUDOHYPERTROPHIC PROGRESSIVE, DUCHENNE TYPE; Duchenne Muscular Dystrophy (DMD). Identifiers: Orphanet 98896, MedGen C0013264, MONDO:0010679, OMIM 310200.

Submission:

Labcorp Genetics (formerly Invitae), Labcorp
Classification: Uncertain significance for Duchenne muscular dystrophy. Last evaluated: 2022-08-08. Review status: criteria provided, single submitter. Criteria: Invitae Variant Classification Sherloc (09022015). Collection method: clinical testing. Allele origin: germline.
Comment: This sequence change replaces glutamine, which is neutral and polar, with proline, which is neutral and non-polar, at codon 700 of the DMD protein (p.Gln700Pro). This variant is not present in population databases (gnomAD no frequency). This variant has not been reported in the literature in individuals affected with DMD-related conditions. Algorithms developed to predict the effect of missense changes on protein structure and function are either unavailable or do not agree on the potential impact of this missense change (SIFT: "Deleterious"; PolyPhen-2: "Benign"; Align-GVGD: "Class C15"). In summary, the available evidence is currently insufficient to determine the role of this variant in disease. Therefore, it has been classified as a Variant of Uncertain Significance.